The following is an entry in ClinVar:

NM_020778.5(ALPK3):c.3818-1del

Gene: ALPK3 (alpha kinase 3; plus strand). Cytogenetic location: 15q25.3.
Variant type: Deletion.
Coding change: c.3818-1del on transcript NM_020778.5 (MANE Select); the canonical splice acceptor site of the intron before coding-DNA position 3818, one base deleted (G; older notation c.3818-1delG).
Molecular consequence: splice acceptor variant.
Genome position (GRCh38, 1-based): chr15:84,859,242, G deleted. VCF-style (leftmost placement, unchanged base first): chr15-84859241-AG-A. GRCh37 (hg19) VCF-style: chr15-85402472-AG-A.
Identifiers: ClinVar variation 1740498 (VCV001740498.2), dbSNP rs2505723820, ClinGen allele CA2580090142.

ClinVar aggregate classification (germline): Likely pathogenic (1 of 4 stars; one submission).

Conditions:
Cardiovascular phenotype. Identifiers: MedGen CN230736.

Submission:

Ambry Genetics
Classification: Likely pathogenic for Cardiovascular phenotype. Last evaluated: 2022-08-24. Review status: criteria provided, single submitter. Criteria: Ambry Variant Classification Scheme 2023. Collection method: clinical testing. Allele origin: germline.
Comment: The c.4424-1delG intronic variant, located in intron 6 of the ALPK3 gene, results from a deletion of one nucleotide within intron 6 of the ALPK3 gene. This variant is considered to be rare based on population cohorts in the Genome Aggregation Database (gnomAD). This nucleotide position is highly conserved in available vertebrate species. In silico splice site analysis predicts that this alteration will weaken the native splice acceptor site and may result in the creation or strengthening of a novel splice acceptor site. In addition, alterations that disrupt the canonical splice site are expected to cause aberrant splicing, resulting in an abnormal protein or a transcript that is subject to nonsense-mediated mRNA decay. Based on the majority of available evidence to date, this variant is likely to be pathogenic.